The following is an entry in ClinVar:

ClinVar aggregate classification (germline): Uncertain significance. Review status: criteria provided, single submitter (1 of 4 stars). 2 submissions from 2 submitters: Uncertain significance (1). 1 of the submissions does not count toward it. Last evaluated 2022-08-31.

Conditions:
Metaphyseal chondrodysplasia, McKusick type (CHH). Also called: Cartilage-hair hypoplasia; Cartilage-Hair Hypoplasia (CHH). Identifiers: Orphanet 175, MedGen C0220748, MONDO:0009595, OMIM 250250.
Anauxetic dysplasia. Identifiers: Orphanet 93347, MedGen C1846796, MONDO:0011773.

Allele frequency attached by ClinVar (database versions not stated): gnomAD exomes 0.00001 and 0.00002; TOPMed 0.00002; ExAC 0.00009.
gnomAD v4.1: 5 of 700,134 alleles (0.00071%); highest among the groups gnomAD compares: Middle Eastern, 0.036%; no homozygotes.

Submissions (2):

Labcorp Genetics (formerly Invitae), Labcorp
Classification: Uncertain significance for Anauxetic dysplasia. Last evaluated: 2022-08-31. Review status: criteria provided, single submitter. Criteria: Invitae Variant Classification Sherloc (09022015). Collection method: clinical testing. Allele origin: germline.
Comment: This variant occurs in the RMRP gene, which encodes an RNA molecule that does not result in a protein product. This variant is present in population databases (rs772665785, gnomAD 0.004%). This variant has not been reported in the literature in individuals affected with RMRP-related conditions. ClinVar contains an entry for this variant (Variation ID: 557122). Experimental studies and prediction algorithms are not available or were not evaluated, and the functional significance of this variant is currently unknown. In summary, the available evidence is currently insufficient to determine the role of this variant in disease. Therefore, it has been classified as a Variant of Uncertain Significance.

Counsyl
Classification: Uncertain significance for Metaphyseal chondrodysplasia, McKusick type. Last evaluated: 2018-03-08. Review status: no assertion criteria provided. Collection method: clinical testing. Allele origin: unknown. Not counted in ClinVar's aggregate classification.

NR_003051.4(RMRP):n.215C>T

Gene: RMRP (RNA component of mitochondrial RNA processing endoribonuclease; minus strand). Cytogenetic location: 9p13.3.
Variant type: single nucleotide variant.
Genome position: GRCh38 VCF-style: chr9-35657805-G-A. GRCh37 (hg19) VCF-style: chr9-35657802-G-A.
Identifiers: ClinVar variation 557122 (VCV000557122.4), dbSNP rs772665785, ClinGen allele CA5045823.